The following is an entry in ClinVar:

ClinVar aggregate classification (germline): Likely benign (1 of 4 stars; one submission).

Allele frequency attached by ClinVar (database versions not stated): ExAC 0.00001; gnomAD 0.00001; gnomAD exomes 0.00001; TOPMed 0.00001.
gnomAD v4.1: 27 of 1,614,048 alleles (0.0017%); highest among the groups gnomAD compares: East Asian, 0.0022%; no homozygotes.

Submission:

GeneDx
Classification: Likely benign. Last evaluated: 2016-03-24. Review status: criteria provided, single submitter. Criteria: GeneDx Variant Classification (06012015). Collection method: clinical testing. Allele origin: germline. Affected: yes.
Comment: This variant is considered likely benign or benign based on one or more of the following criteria: it is a conservative change, it occurs at a poorly conserved position in the protein, it is predicted to be benign by multiple in silico algorithms, and/or has population frequency not consistent with disease.

NM_013391.3(DMGDH):c.1479G>A (p.Pro493=)

Gene: DMGDH (dimethylglycine dehydrogenase; minus strand). Cytogenetic location: 5q14.1.
Variant type: single nucleotide variant.
Coding change: c.1479G>A on transcript NM_013391.3 (MANE Select); coding-DNA position 1479, G replaced by A.
Protein change: p.Pro493=; no amino-acid change (proline 493 retained).
Molecular consequence: synonymous variant. On other transcripts: non-coding transcript variant (2).
Genome position (GRCh38, 1-based): chr5:79,032,725, C>T on the plus strand (G>A on the coding strand, the complement: DMGDH is on the minus strand). VCF-style: chr5-79032725-C-T. GRCh37 (hg19) VCF-style: chr5-78328548-C-T.
Identifiers: ClinVar variation 384238 (VCV000384238.1), dbSNP rs762477431, ClinGen allele CA3318717.